The following is an entry in ClinVar:

ClinVar aggregate classification (germline): Uncertain significance (1 of 4 stars; one submission).

Allele frequency attached by ClinVar (database versions not stated): TOPMed 0.00001.
gnomAD v4.1: 9 of 1,613,890 alleles (0.00056%); highest among the groups gnomAD compares: Admixed American, 0.013%; no homozygotes.

Submission:

Labcorp Genetics (formerly Invitae), Labcorp
Classification: Uncertain significance. Last evaluated: 2022-05-22. Review status: criteria provided, single submitter. Criteria: Invitae Variant Classification Sherloc (09022015). Collection method: clinical testing. Allele origin: germline.
Comment: This sequence change replaces glutamine, which is neutral and polar, with arginine, which is basic and polar, at codon 2355 of the PCLO protein (p.Gln2355Arg). This variant is present in population databases (no rsID available, gnomAD 0.02%). This variant has not been reported in the literature in individuals affected with PCLO-related conditions. Algorithms developed to predict the effect of missense changes on protein structure and function are either unavailable or do not agree on the potential impact of this missense change (SIFT: "Tolerated"; PolyPhen-2: "Not Available"; Align-GVGD: "Class C0"). In summary, the available evidence is currently insufficient to determine the role of this variant in disease. Therefore, it has been classified as a Variant of Uncertain Significance.

NM_033026.6(PCLO):c.7064A>G (p.Gln2355Arg)

Gene: PCLO (piccolo presynaptic cytomatrix protein; minus strand). Cytogenetic location: 7q21.11.
Variant type: single nucleotide variant.
Coding change: c.7064A>G on transcript NM_033026.6 (MANE Select); coding-DNA position 7064, A replaced by G.
Protein change: p.Gln2355Arg; replaces glutamine 2355 with arginine.
Molecular consequence: missense variant.
Genome position (GRCh38, 1-based): chr7:82,953,889, T>C on the plus strand (A>G on the coding strand, the complement: PCLO is on the minus strand). VCF-style: chr7-82953889-T-C. GRCh37 (hg19) VCF-style: chr7-82583205-T-C.
Other names: c.7064A>G, p.Gln2355Arg (NM_014510.3); short protein forms Q2355R.
Identifiers: ClinVar variation 1901453 (VCV001901453.2), dbSNP rs755161656, ClinGen allele CA367917766.